The following is an entry in ClinVar:

ClinVar aggregate classification (germline): Likely benign (1 of 4 stars; one submission).

Allele frequency attached by ClinVar (database versions not stated): gnomAD 0.00001; 1000 Genomes Project 30x 0.00016.

Submission:

GeneDx
Classification: Likely benign. Last evaluated: 2018-03-07. Review status: criteria provided, single submitter. Criteria: GeneDx Variant Classification (06012015). Collection method: clinical testing. Allele origin: germline. Affected: yes.
Comment: This variant is considered likely benign or benign based on one or more of the following criteria: it is a conservative change, it occurs at a poorly conserved position in the protein, it is predicted to be benign by multiple in silico algorithms, and/or has population frequency not consistent with disease.

NM_017909.4(RMND1):c.-37C>T

Gene: RMND1 (required for meiotic nuclear division 1 homolog; minus strand). Cytogenetic location: 6q25.1.
Variant type: single nucleotide variant.
Coding change: c.-37C>T on transcript NM_017909.4 (MANE Select); 37 bases upstream of the start codon, C replaced by T.
Molecular consequence: 5 prime UTR variant.
Genome position (GRCh38, 1-based): chr6:151,452,038, G>A on the plus strand (C>T on the coding strand, the complement: RMND1 is on the minus strand). VCF-style: chr6-151452038-G-A. GRCh37 (hg19) VCF-style: chr6-151773173-G-A.
Other names: c.-29C>T (NM_001271937.2).
Identifiers: ClinVar variation 515983 (VCV000515983.1), dbSNP rs963579368, ClinGen allele CA150136450.